The following is an entry in ClinVar:

NM_002470.4(MYH3):c.2486C>T (p.Pro829Leu)

Gene: MYH3 (myosin heavy chain 3; minus strand). Cytogenetic location: 17p13.1.
Variant type: single nucleotide variant.
Coding change: c.2486C>T on transcript NM_002470.4 (MANE Select); coding-DNA position 2486, C replaced by T.
Protein change: p.Pro829Leu; replaces proline 829 with leucine.
Molecular consequence: missense variant.
Genome position (GRCh38, 1-based): chr17:10,640,192, G>A on the plus strand (C>T on the coding strand, the complement: MYH3 is on the minus strand). VCF-style: chr17-10640192-G-A. GRCh37 (hg19) VCF-style: chr17-10543509-G-A.
Other names: short protein forms P829L.
Identifiers: ClinVar variation 321747 (VCV000321747.12), dbSNP rs200652175, ClinGen allele CA8392751.

ClinVar aggregate classification (germline): Uncertain significance. Review status: criteria provided, multiple submitters, no conflicts (2 of 4 stars). 4 submissions from 3 submitters: Uncertain significance (4). Last evaluated 2025-11-03.

Conditions:
Inborn genetic diseases. Identifiers: MedGen C0950123, MeSH D030342.
Freeman-Sheldon syndrome (DA2A). Also called: CRANIOCARPOTARSAL DYSPLASIA; CRANIOCARPOTARSAL DYSTROPHY; WHISTLING FACE-WINDMILL VANE HAND SYNDROME; Arthrogryposis, distal, type 2A (Freeman-Sheldon). Identifiers: Orphanet 2053, MedGen C0265224, MONDO:0008675, OMIM 193700.
Distal arthrogryposis type 2B1 (DA2B1). Also called: Arthrogryposis multiplex congenita distal type II with craniofacial abnormalities. Identifiers: Orphanet 1147, MedGen C5193014, MONDO:0020820, OMIM 601680.

Allele frequency attached by ClinVar (database versions not stated): ExAC 0.00003; gnomAD 0.00004 and 0.00005; TOPMed 0.00005; gnomAD exomes 0.00006 and 0.00008; ESP Exome Variant Server 0.00008.
gnomAD v4.1: 94 of 1,614,010 alleles (0.0058%); highest among the groups gnomAD compares: Non-Finnish European, 0.0055%; 1 homozygote.

Submissions (4):

Ambry Genetics
Classification: Uncertain significance for Inborn genetic diseases. Last evaluated: 2025-11-03. Review status: criteria provided, single submitter. Criteria: Ambry Variant Classification Scheme 2023. Collection method: clinical testing. Allele origin: germline.

Labcorp Genetics (formerly Invitae), Labcorp
Classification: Uncertain significance. Last evaluated: 2025-05-11. Review status: criteria provided, single submitter. Criteria: Invitae Variant Classification Sherloc (09022015). Collection method: clinical testing. Allele origin: germline.
Comment: This sequence change replaces proline, which is neutral and non-polar, with leucine, which is neutral and non-polar, at codon 829 of the MYH3 protein (p.Pro829Leu). This variant is present in population databases (rs200652175, gnomAD 0.08%). This variant has not been reported in the literature in individuals affected with MYH3-related conditions. ClinVar contains an entry for this variant (Variation ID: 321747). Invitae Evidence Modeling of protein sequence and biophysical properties (such as structural, functional, and spatial information, amino acid conservation, physicochemical variation, residue mobility, and thermodynamic stability) has been performed for this missense variant. However, the output from this modeling did not meet the statistical confidence thresholds required to predict the impact of this variant on MYH3 protein function. In summary, the available evidence is currently insufficient to determine the role of this variant in disease. Therefore, it has been classified as a Variant of Uncertain Significance.

Illumina Laboratory Services, Illumina
Classification: Uncertain significance for Freeman-Sheldon syndrome. Last evaluated: 2018-01-13. Review status: criteria provided, single submitter. Criteria: ICSL Variant Classification Criteria 13 December 2019. Collection method: clinical testing. Allele origin: germline.

Illumina Laboratory Services, Illumina
Classification: Uncertain significance for Distal arthrogryposis type 2B1. Last evaluated: 2018-01-13. Review status: criteria provided, single submitter. Criteria: ICSL Variant Classification Criteria 13 December 2019. Collection method: clinical testing. Allele origin: germline.